The following is an entry in ClinVar:

NM_000548.5(TSC2):c.4860C>T (p.His1620=)

Gene: TSC2 (TSC complex subunit 2; plus strand). Cytogenetic location: 16p13.3.
Variant type: single nucleotide variant.
Coding change: c.4860C>T on transcript NM_000548.5 (MANE Select); coding-DNA position 4860, C replaced by T.
Protein change: p.His1620=; no amino-acid change (histidine 1620 retained).
Molecular consequence: synonymous variant.
Genome position (GRCh38, 1-based): chr16:2,086,742, C>T. VCF-style: chr16-2086742-C-T. GRCh37 (hg19) VCF-style: chr16-2136743-C-T.
Other names: c.4659C>T, p.His1553= (NM_001077183.3); c.4791C>T, p.His1597= (NM_001114382.3); c.4551C>T, p.His1517= (NM_001318827.2); c.4515C>T, p.His1505= (NM_001318829.2); c.4128C>T, p.His1376= (NM_001318831.2); c.4692C>T, p.His1564= (NM_001318832.2); c.4662C>T, p.His1554= (NM_001363528.2); c.4728C>T, p.His1576= (NM_001370404.1); and 1 more.
Identifiers: ClinVar variation 536060 (VCV000536060.15), dbSNP rs1189943599, ClinGen allele CA492959700.

ClinVar aggregate classification (germline): Benign/Likely benign. Review status: criteria provided, multiple submitters, no conflicts (2 of 4 stars). 3 submissions from 3 submitters: Benign (1); Likely benign (2). Last evaluated 2025-10-28.

Conditions:
Hereditary cancer-predisposing syndrome. Also called: Neoplastic Syndromes, Hereditary; Tumor predisposition; Hereditary Cancer Syndrome; Hereditary neoplastic syndrome. Identifiers: Orphanet 140162, MedGen C0027672, MeSH D009386, MONDO:0015356.
Tuberous sclerosis 2 (TSC2). Identifiers: Orphanet 805, MedGen C1860707, MONDO:0013199, OMIM 613254.

Allele frequency attached by ClinVar (database versions not stated): gnomAD exomes 0.00001 and 0.00002; TOPMed 0.00001.
gnomAD v4.1: 5 of 1,610,632 alleles (0.00031%); highest among the groups gnomAD compares: Admixed American, 0.005%; no homozygotes.

Submissions (3):

Labcorp Genetics (formerly Invitae), Labcorp
Classification: Likely benign for Tuberous sclerosis 2. Last evaluated: 2025-10-28. Review status: criteria provided, single submitter. Criteria: Invitae Variant Classification Sherloc (09022015). Collection method: clinical testing. Allele origin: germline.

Myriad Genetics, Inc.
Classification: Benign for Tuberous sclerosis 2. Last evaluated: 2025-06-05. Review status: criteria provided, single submitter. Criteria: Myriad Autosomal Dominant, Autosomal Recessive and X-Linked Classification Criteria (2023). Collection method: clinical testing. Allele origin: unknown.
Comment: This variant is considered benign. This variant is a silent/synonymous amino acid change and it is not expected to impact splicing.

Ambry Genetics
Classification: Likely benign for Hereditary cancer-predisposing syndrome. Last evaluated: 2022-03-16. Review status: criteria provided, single submitter. Criteria: Ambry Variant Classification Scheme 2023. Collection method: clinical testing. Allele origin: germline.